The following is an entry in ClinVar:

NM_001453.3(FOXC1):c.826_887del (p.Ser276fs)

Gene: FOXC1 (forkhead box C1; plus strand). Cytogenetic location: 6p25.3.
Variant type: Deletion.
Coding change: c.826_887del on transcript NM_001453.3 (MANE Select); coding-DNA positions 826 to 887, 62 bases deleted.
Protein change: p.Ser276fs; shifts the reading frame from serine 276.
Molecular consequence: frameshift variant.
Genome position (GRCh38, 1-based): chr6:1,611,271-1,611,332, 62 bases deleted. GRCh37 (hg19): chr6:1,611,506-1,611,567.
Other names: short protein forms S276fs.
Identifiers: ClinVar variation 4722056 (VCV004722056.1).

ClinVar aggregate classification (germline): Pathogenic (1 of 4 stars; one submission).

Conditions:
Axenfeld-Rieger syndrome type 3 (RIEG3). Also called: AXENFELD-RIEGER ANOMALY WITH CARDIAC DEFECTS AND/OR SENSORINEURAL HEARING LOSS. Identifiers: Orphanet 782, MedGen C2678503, MONDO:0011233, OMIM 602482.

Submission:

Labcorp Genetics (formerly Invitae), Labcorp
Classification: Pathogenic for Axenfeld-Rieger syndrome type 3. Last evaluated: 2025-09-25. Review status: criteria provided, single submitter. Criteria: Invitae Variant Classification Sherloc (09022015). Collection method: clinical testing. Allele origin: germline.
Comment: This sequence change creates a premature translational stop signal (p.Ser276Alafs*9) in the FOXC1 gene. While this is not anticipated to result in nonsense mediated decay, it is expected to disrupt the last 278 amino acid(s) of the FOXC1 protein. This variant is not present in population databases (gnomAD no frequency). This variant has not been reported in the literature in individuals affected with FOXC1-related conditions. This variant disrupts a region of the FOXC1 protein in which other variant(s) (p.Ala296Ilefs*26) have been determined to be pathogenic (internal data). This suggests that this is a clinically significant region of the protein, and that variants that disrupt it are likely to be disease-causing. For these reasons, this variant has been classified as Pathogenic.